The following is an entry in ClinVar:

ClinVar aggregate classification (germline): Uncertain significance (1 of 4 stars; one submission).

Conditions:
Neutropenia, severe congenital, 2, autosomal dominant. Identifiers: Orphanet 486, MedGen C2751288, MONDO:0013139, OMIM 613107.

gnomAD v4.1: 2 of 1,611,250 alleles (0.00012%); highest among the groups gnomAD compares: Admixed American, 0.0033%; no homozygotes.

Submission:

Labcorp Genetics (formerly Invitae), Labcorp
Classification: Uncertain significance for Neutropenia, severe congenital, 2, autosomal dominant. Last evaluated: 2023-07-10. Review status: criteria provided, single submitter. Criteria: Invitae Variant Classification Sherloc (09022015). Collection method: clinical testing. Allele origin: germline.
Comment: This sequence change replaces glycine, which is neutral and non-polar, with cysteine, which is neutral and slightly polar, at codon 126 of the GFI1 protein (p.Gly126Cys). The frequency data for this variant in the population databases is considered unreliable, as metrics indicate poor data quality at this position in the gnomAD database. This variant has not been reported in the literature in individuals affected with GFI1-related conditions. ClinVar contains an entry for this variant (Variation ID: 1044065). Advanced modeling of protein sequence and biophysical properties (such as structural, functional, and spatial information, amino acid conservation, physicochemical variation, residue mobility, and thermodynamic stability) performed at Invitae indicates that this missense variant is not expected to disrupt GFI1 protein function. In summary, the available evidence is currently insufficient to determine the role of this variant in disease. Therefore, it has been classified as a Variant of Uncertain Significance.

NM_005263.5(GFI1):c.376G>T (p.Gly126Cys)

Gene: GFI1 (growth factor independent 1 transcriptional repressor; minus strand). Cytogenetic location: 1p22.1.
Variant type: single nucleotide variant.
Coding change: c.376G>T on transcript NM_005263.5 (MANE Select); coding-DNA position 376, G replaced by T.
Protein change: p.Gly126Cys; replaces glycine 126 with cysteine.
Molecular consequence: missense variant.
Genome position (GRCh38, 1-based): chr1:92,481,011, C>A on the plus strand (G>T on the coding strand, the complement: GFI1 is on the minus strand). VCF-style: chr1-92481011-C-A. GRCh37 (hg19) VCF-style: chr1-92946568-C-A.
Other names: c.376G>T, p.Gly126Cys (NM_001127215.3, NM_001127216.3); short protein forms G126C.
Identifiers: ClinVar variation 1044065 (VCV001044065.8), dbSNP rs766732454, ClinGen allele CA951400.